The following is an entry in ClinVar:

ClinVar aggregate classification (germline): Uncertain significance (1 of 4 stars; one submission).

Conditions:
Megaconial type congenital muscular dystrophy (MDCMC). Also called: CHKB-Related Muscular Dystrophy; CHKB-Related Muscle Diseases; MUSCULAR DYSTROPHY, CONGENITAL, WITH MITOCHONDRIAL STRUCTURAL ABNORMALITIES. Identifiers: Orphanet 280671, MedGen C1865233, MONDO:0011246, OMIM 602541.

Allele frequency attached by ClinVar (database versions not stated): TOPMed 0.00001.

Submission:

Labcorp Genetics (formerly Invitae), Labcorp
Classification: Uncertain significance for Megaconial type congenital muscular dystrophy. Last evaluated: 2022-07-06. Review status: criteria provided, single submitter. Criteria: Invitae Variant Classification Sherloc (09022015). Collection method: clinical testing. Allele origin: germline.
Comment: This variant has not been reported in the literature in individuals affected with CHKB-related conditions. ClinVar contains an entry for this variant (Variation ID: 1369163). Algorithms developed to predict the effect of missense changes on protein structure and function (SIFT, PolyPhen-2, Align-GVGD) all suggest that this variant is likely to be tolerated. In summary, the available evidence is currently insufficient to determine the role of this variant in disease. Therefore, it has been classified as a Variant of Uncertain Significance. This variant is not present in population databases (gnomAD no frequency). This sequence change replaces valine, which is neutral and non-polar, with alanine, which is neutral and non-polar, at codon 162 of the CHKB protein (p.Val162Ala).

NM_005198.5(CHKB):c.485T>C (p.Val162Ala)

Genes: CHKB (choline kinase beta; minus strand), CHKB-CPT1B (CHKB-CPT1B readthrough (NMD candidate); minus strand). Cytogenetic location: 22q13.33.
Variant type: single nucleotide variant.
Coding change: c.485T>C on transcript NM_005198.5 (MANE Select); coding-DNA position 485, T replaced by C.
Protein change: p.Val162Ala; replaces valine 162 with alanine.
Molecular consequence: missense variant. On other transcripts: non-coding transcript variant (1).
Genome position (GRCh38, 1-based): chr22:50,581,516, A>G on the plus strand (T>C on the coding strand, the complement: CHKB is on the minus strand). VCF-style: chr22-50581516-A-G. GRCh37 (hg19) VCF-style: chr22-51019945-A-G.
Other names: short protein forms V162A.
Identifiers: ClinVar variation 1369163 (VCV001369163.8), dbSNP rs1255195125, ClinGen allele CA412200820.